The following is an entry in ClinVar:

ClinVar aggregate classification (germline): Uncertain significance. Review status: criteria provided, multiple submitters, no conflicts (2 of 4 stars). 2 submissions from 2 submitters: Uncertain significance (2). Last evaluated 2025-10-18.

Conditions:
Cardiovascular phenotype. Identifiers: MedGen CN230736.
Hypertrophic cardiomyopathy. Also called: HYPERTROPHIC MYOCARDIOPATHY. Identifiers: Orphanet 217569, MedGen C0007194, MeSH D002312, MONDO:0005045, HP:0001639.

Allele frequency attached by ClinVar (database versions not stated): gnomAD exomes 0.00001.
gnomAD v4.1: 7 of 1,538,498 alleles (0.00045%); highest among the groups gnomAD compares: Non-Finnish European, 0.00061%; no homozygotes.

Submissions (2):

Labcorp Genetics (formerly Invitae), Labcorp
Classification: Uncertain significance for Hypertrophic cardiomyopathy. Last evaluated: 2025-10-18. Review status: criteria provided, single submitter. Criteria: Invitae Variant Classification Sherloc (09022015). Collection method: clinical testing. Allele origin: germline.
Comment: This sequence change replaces serine, which is neutral and polar, with glycine, which is neutral and non-polar, at codon 168 of the JPH2 protein (p.Ser168Gly). This variant is not present in population databases (gnomAD no frequency). This variant has not been reported in the literature in individuals affected with JPH2-related conditions. ClinVar contains an entry for this variant (Variation ID: 1036164). An algorithm developed to predict the effect of missense changes on protein structure and function (PolyPhen-2) suggests that this variant is likely to be disruptive. In summary, the available evidence is currently insufficient to determine the role of this variant in disease. Therefore, it has been classified as a Variant of Uncertain Significance.

Molecular Diagnostic Laboratory for Inherited Cardiovascular Disease, Montreal Heart Institute
Classification: Uncertain significance for Cardiovascular phenotype. Last evaluated: 2025-04-09. Review status: criteria provided, single submitter. Criteria: ACMG Guidelines, 2015. Collection method: clinical testing. Allele origin: germline. Affected: yes.

NM_020433.5(JPH2):c.502A>G (p.Ser168Gly)

Gene: JPH2 (junctophilin 2; minus strand). Cytogenetic location: 20q13.12.
Variant type: single nucleotide variant.
Coding change: c.502A>G on transcript NM_020433.5 (MANE Select); coding-DNA position 502, A replaced by G.
Protein change: p.Ser168Gly; replaces serine 168 with glycine.
Molecular consequence: missense variant.
Genome position (GRCh38, 1-based): chr20:44,160,285, T>C on the plus strand (A>G on the coding strand, the complement: JPH2 is on the minus strand). VCF-style: chr20-44160285-T-C. GRCh37 (hg19) VCF-style: chr20-42788925-T-C.
Other names: c.502A>G (NM_020433.4); short protein forms S168G.
Identifiers: ClinVar variation 1036164 (VCV001036164.9), dbSNP rs869025439, ClinGen allele CA409094263.